The following is an entry in ClinVar:

NM_004655.4(AXIN2):c.1741C>T (p.Arg581Cys)

Gene: AXIN2 (axin 2; minus strand). Cytogenetic location: 17q24.1.
Variant type: single nucleotide variant.
Coding change: c.1741C>T on transcript NM_004655.4 (MANE Select); coding-DNA position 1741, C replaced by T.
Protein change: p.Arg581Cys; replaces arginine 581 with cysteine.
Molecular consequence: missense variant. On other transcripts: intron variant (1).
Genome position (GRCh38, 1-based): chr17:65,537,035, G>A on the plus strand (C>T on the coding strand, the complement: AXIN2 is on the minus strand). VCF-style: chr17-65537035-G-A. GRCh37 (hg19) VCF-style: chr17-63533153-G-A.
Other names: c.1741C>T (LRG_296t1); c.1712+289C>T (NM_001363813.1); short protein forms R581C.
Identifiers: ClinVar variation 408776 (VCV000408776.14), dbSNP rs759825875, ClinGen allele CA8718540.

ClinVar aggregate classification (germline): Uncertain significance. Review status: criteria provided, multiple submitters, no conflicts (2 of 4 stars). 3 submissions from 3 submitters: Uncertain significance (3). Last evaluated 2026-01-24.

Conditions:
Hereditary cancer-predisposing syndrome. Also called: Hereditary Cancer Syndrome; Hereditary neoplastic syndrome; Neoplastic Syndromes, Hereditary; Tumor predisposition. Identifiers: Orphanet 140162, MedGen C0027672, MeSH D009386, MONDO:0015356.
Oligodontia-cancer predisposition syndrome. Also called: TOOTH AGENESIS-COLORECTAL CANCER SYNDROME. Identifiers: Orphanet 300576, MedGen C1837750, MONDO:0012075, OMIM 608615. Disease mechanism: loss of function.

Allele frequency attached by ClinVar (database versions not stated): gnomAD exomes below 0.00001 and 0.00001; ExAC 0.00001; TOPMed 0.00001.

Submissions (3):

Labcorp Genetics (formerly Invitae), Labcorp
Classification: Uncertain significance for Oligodontia-cancer predisposition syndrome. Last evaluated: 2026-01-24. Review status: criteria provided, single submitter. Criteria: Invitae Variant Classification Sherloc (09022015). Collection method: clinical testing. Allele origin: germline.
Comment: This sequence change replaces arginine, which is basic and polar, with cysteine, which is neutral and slightly polar, at codon 581 of the AXIN2 protein (p.Arg581Cys). The frequency data for this variant in the population databases is considered unreliable, as metrics indicate poor data quality at this position in the gnomAD database. This variant has not been reported in the literature in individuals affected with AXIN2-related conditions. ClinVar contains an entry for this variant (Variation ID: 408776). Invitae Evidence Modeling of protein sequence and biophysical properties (such as structural, functional, and spatial information, amino acid conservation, physicochemical variation, residue mobility, and thermodynamic stability) has been performed for this missense variant. However, the output from this modeling did not meet the statistical confidence thresholds required to predict the impact of this variant on AXIN2 protein function. In summary, the available evidence is currently insufficient to determine the role of this variant in disease. Therefore, it has been classified as a Variant of Uncertain Significance.

Ambry Genetics
Classification: Uncertain significance for Hereditary cancer-predisposing syndrome. Last evaluated: 2024-11-28. Review status: criteria provided, single submitter. Criteria: Ambry Variant Classification Scheme 2023. Collection method: clinical testing. Allele origin: germline.
Comment: The p.R581C variant (also known as c.1741C>T), located in coding exon 6 of the AXIN2 gene, results from a C to T substitution at nucleotide position 1741. The arginine at codon 581 is replaced by cysteine, an amino acid with highly dissimilar properties. This amino acid position is highly conserved in available vertebrate species. In addition, the in silico prediction for this alteration is inconclusive. Since supporting evidence is limited at this time, the clinical significance of this alteration remains unclear.

Quest Diagnostics Nichols Institute San Juan Capistrano
Classification: Uncertain significance. Last evaluated: 2024-08-22. Review status: criteria provided, single submitter. Criteria: Quest Diagnostics criteria. Collection method: clinical testing. Allele origin: unknown.
Comment: The AXIN2 c.1741C>T (p.Arg581Cys) variant has not been reported in individuals with AXIN2-related conditions in the published literature. The frequency of this variant in the general population, 0.0000041 (1/241752 chromosomes (Genome Aggregation Database)), is uninformative in the assessment of its pathogenicity. Analysis of this variant using bioinformatics tools for the prediction of the effect of amino acid changes on protein structure and function yielded conflicting predictions that this variant is benign or damaging. Based on the available information, we are unable to determine the clinical significance of this variant.